The following is an entry in ClinVar:

ClinVar aggregate classification (germline): Uncertain significance (1 of 4 stars; one submission).

Conditions:
Radio-Tartaglia syndrome. Identifiers: Orphanet 662234, MedGen C5543339, MONDO:0859143, OMIM 619312.

Submission:

Neuberg Centre For Genomic Medicine, NCGM
Classification: Uncertain significance for Radio-Tartaglia syndrome. Last evaluated: 2023-05-20. Review status: criteria provided, single submitter. Criteria: ACMG Guidelines, 2015. Collection method: clinical testing. Allele origin: germline. Affected: yes.
Comment: The observed missense c.4764G>A(p.Met1588Ile) variant in SPEN gene has not been reported previously as a pathogenic variant nor as a benign variant, to our knowledge. This variant is absent in gnomAD Exomes. The amino acid Met at position 1588 is changed to a Ile changing protein sequence and it might alter its composition and physico-chemical properties. The amino acid change p.Met1588Ile in SPEN is predicted as conserved by GERP++ and PhyloP across 100 vertebrates. Computational evidence (Polyphen - Benign, SIFT - Tolerated, and MutationTaster - Disease causing) predicts conflicting evidence on protein structure and function for this variant. For these reasons, this variant has been classified as Uncertain Significance.

NM_015001.3(SPEN):c.4764G>A (p.Met1588Ile)

Gene: SPEN (spen family transcriptional repressor; plus strand). Cytogenetic location: 1p36.13.
Variant type: single nucleotide variant.
Coding change: c.4764G>A on transcript NM_015001.3 (MANE Select); coding-DNA position 4764, G replaced by A.
Protein change: p.Met1588Ile; replaces methionine 1588 with isoleucine.
Molecular consequence: missense variant.
Genome position (GRCh38, 1-based): chr1:15,931,004, G>A. VCF-style: chr1-15931004-G-A. GRCh37 (hg19) VCF-style: chr1-16257499-G-A.
Other names: short protein forms M1588I.
Identifiers: ClinVar variation 3341489 (VCV003341489.1).